The following is an entry in ClinVar:

ClinVar aggregate classification (germline): Likely benign. Review status: criteria provided, multiple submitters, no conflicts (2 of 4 stars). 3 submissions from 3 submitters: Likely benign (3). Last evaluated 2026-04-01.

Conditions:
CWC27-related disorder. Also called: CWC27-related condition.

Allele frequency attached by ClinVar (database versions not stated): gnomAD exomes below 0.00001.
gnomAD v4.1: 1 of 1,610,644 alleles (0.000062%); highest among the groups gnomAD compares: Non-Finnish European, 0.000085%; no homozygotes.

Submissions (3):

CeGaT Center for Human Genetics Tuebingen
Classification: Likely benign. Last evaluated: 2026-04-01. Review status: criteria provided, single submitter. Criteria: CeGaT Center For Human Genetics Tuebingen Variant Classification Criteria Version 2. Collection method: clinical testing. Allele origin: germline. Affected: yes. Observed: 1 variant allele.
Comment: CWC27: BP4, BP7

PreventionGenetics, part of Exact Sciences
Classification: Likely benign for CWC27-related condition. Last evaluated: 2024-11-03. Review status: criteria provided, single submitter. Criteria: ACMG Guidelines, 2015. Collection method: clinical testing. Allele origin: germline.
Comment: This variant is classified as likely benign based on ACMG/AMP sequence variant interpretation guidelines (Richards et al. 2015 PMID: 25741868, with internal and published modifications).

Labcorp Genetics (formerly Invitae), Labcorp
Classification: Likely benign. Last evaluated: 2021-01-03. Review status: criteria provided, single submitter. Criteria: Invitae Variant Classification Sherloc (09022015). Collection method: clinical testing. Allele origin: germline.

NM_005869.4(CWC27):c.918G>A (p.Glu306=)

Gene: CWC27 (CWC27 spliceosome associated cyclophilin; plus strand). Cytogenetic location: 5q12.3.
Variant type: single nucleotide variant.
Coding change: c.918G>A on transcript NM_005869.4 (MANE Select); coding-DNA position 918, G replaced by A.
Protein change: p.Glu306=; no amino-acid change (glutamic acid 306 retained).
Molecular consequence: synonymous variant.
Genome position (GRCh38, 1-based): chr5:64,804,366, G>A. VCF-style: chr5-64804366-G-A. GRCh37 (hg19) VCF-style: chr5-64100193-G-A.
Other names: c.918G>A (NM_005869.3); c.918G>A, p.Glu306= (NM_001297644.1, NM_001297645.2, NM_001318000.2 and 1 more transcripts).
Identifiers: ClinVar variation 1668872 (VCV001668872.11), dbSNP rs1340828580, ClinGen allele CA444476600.